The following continues an entry in ClinVar:

NM_000350.3(ABCA4):c.32T>C (p.Leu11Pro)

Gene: ABCA4. ClinVar aggregate classification (germline): Pathogenic. Pathogenic (1).

Submissions 13 to 15 of 15:

Broad Center for Mendelian Genomics, Broad Institute of MIT and Harvard
Classification: Likely pathogenic for Retinitis pigmentosa. Last evaluated: 2021-04-01. Review status: criteria provided, single submitter. Criteria: ACMG Guidelines, 2015. Collection method: curation. Allele origin: germline. Inheritance: Autosomal recessive inheritance. Affected: yes. Not counted in ClinVar's aggregate classification.
Comment: Through a review of available evidence we were able to apply the following criteria: PM2, PP3, PM3-S. Based on this evidence we have classified this variant as Likely Pathogenic. If you have any questions about the classification please reach out to the Pierce Lab.

Illumina Laboratory Services, Illumina
Classification: Pathogenic for ABCA4-Related Disorders. Last evaluated: 2018-12-04. Review status: criteria provided, single submitter. Criteria: ICSL Variant Classification Criteria 09 May 2019. Collection method: clinical testing. Allele origin: germline. Not counted in ClinVar's aggregate classification.
Comment: The ABCA4 c.32T>C (p.Leu11Pro) missense variant has been reported in at least six studies in which it is found in a total of eight individuals, including in a compound heterozygous state in six subjects diagnosed with Stargardt disease (STGD), and in a heterozygous state in one individual with STGD and one with late onset fundus flavimaculatus (Rozet et al. 1998; Valverde et al. 2007; Maia-Lopes et al. 2009; Riveiro-Alvarez et al. 2013; Salles et al. 2018). The p.Leu11Pro variant was absent from 110 healthy controls and is reported at a frequency of 0.000015 in the European (non-Finnish) population of the Exome Aggregation Consortium, but this is based on one allele so the variant is presumed to be rare. Based on the evidence the p.Leu11Pro variant is classified as pathogenic for ABCA4-related disorders. This variant was observed by ICSL as part of a predisposition screen in an ostensibly healthy population.

Retina International
No classification provided. Review status: no classification provided. Collection method: not provided. Allele origin: not provided. Not counted in ClinVar's aggregate classification.

Literature cited by the submitters: PubMed 17325136 (cited by 4 submitters); PubMed 19365591 (cited by 4 submitters); PubMed 29925512 (cited by 3 submitters); PubMed 30093795 (cited by 5 submitters); PubMed 9781034 (cited by 4 submitters); PubMed 36909829 (cited by Ophthalmic Genetics Group, Institute of Molecular and Clinical Ophthalmology Basel); PubMed 35903041 (cited by Ophthalmic Genetics Group, Institute of Molecular and Clinical Ophthalmology Basel); PubMed 19074458 (cited by AiLife Diagnostics); PubMed 32619608 (cited by AiLife Diagnostics); PubMed 34906470 (cited by Broad Center for Mendelian Genomics, Broad Institute of MIT and Harvard); PubMed 23755871 (cited by Broad Center for Mendelian Genomics, Broad Institute of MIT and Harvard and Illumina Laboratory Services, Illumina).